The following is an entry in ClinVar:

NM_182978.4(GNAL):c.377-265del

Gene: GNAL (G protein subunit alpha L; plus strand). Cytogenetic location: 18p11.21.
Variant type: Deletion.
Coding change: c.377-265del on transcript NM_182978.4 (MANE Select); 265 bases into the intron before coding-DNA position 377, one base deleted (A; older notation c.377-265delA).
Molecular consequence: intron variant.
Genome position (GRCh38, 1-based): chr18:11,752,588, A deleted. VCF-style (leftmost placement, unchanged base first): chr18-11752587-GA-G. GRCh37 (hg19) VCF-style: chr18-11752586-GA-G.
Other names: c.145+10del (NM_001261443.2, NM_001142339.3, NM_001369387.1).
Identifiers: ClinVar variation 3045058 (VCV003045058.2), dbSNP rs2547802173, ClinGen allele CA2740093967.

ClinVar aggregate classification (germline): Likely benign (0 of 4 stars; one submission).

Conditions:
GNAL-related disorder. Also called: GNAL-related condition.

Submission:

PreventionGenetics, part of Exact Sciences
Classification: Likely benign for GNAL-related condition. Last evaluated: 2019-11-25. Review status: no assertion criteria provided. Collection method: clinical testing. Allele origin: germline.
Comment: This variant is classified as likely benign based on ACMG/AMP sequence variant interpretation guidelines (Richards et al. 2015 PMID: 25741868, with internal and published modifications).